The following is an entry in ClinVar:

NM_130385.4(IRAG1):c.523C>T (p.Leu175=)

Gene: IRAG1 (inositol 1,4,5-triphosphate receptor associated 1; minus strand). Cytogenetic location: 11p15.4.
Variant type: single nucleotide variant.
Coding change: c.523C>T on transcript NM_130385.4 (MANE Select); coding-DNA position 523, C replaced by T.
Protein change: p.Leu175=; no amino-acid change (leucine 175 retained).
Molecular consequence: synonymous variant. On other transcripts: 5 prime UTR variant (2).
Genome position (GRCh38, 1-based): chr11:10,629,589, G>A on the plus strand (C>T on the coding strand, the complement: IRAG1 is on the minus strand). VCF-style: chr11-10629589-G-A. GRCh37 (hg19) VCF-style: chr11-10651136-G-A.
Other names: c.496C>T, p.Leu166= (NM_001098579.3); c.250C>T, p.Leu84= (NM_001100163.3); c.-426C>T (NM_001100167.3); c.523C>T, p.Leu175= (NM_001206880.2); c.-370C>T (NM_001206881.2); c.517C>T, p.Leu173= (NM_006069.2).
Identifiers: ClinVar variation 2641599 (VCV002641599.24), dbSNP rs201859877, ClinGen allele CA5884524.

ClinVar aggregate classification (germline): Likely benign (1 of 4 stars; one submission).

Allele frequency attached by ClinVar (database versions not stated): 1000 Genomes Project 30x 0.00062; 1000 Genomes Project 0.00080; gnomAD 0.00236; ExAC 0.00237; TOPMed 0.00257; ESP Exome Variant Server 0.00306; gnomAD exomes 0.00334.
gnomAD v4.1: 5,227 of 1,613,966 alleles (0.32%); highest among the groups gnomAD compares: Non-Finnish European, 0.4%; 19 homozygotes.

Submission:

CeGaT Center for Human Genetics Tuebingen
Classification: Likely benign. Last evaluated: 2022-04-01. Review status: criteria provided, single submitter. Criteria: CeGaT Center For Human Genetics Tuebingen Variant Classification Criteria Version 2. Collection method: clinical testing. Allele origin: germline. Affected: yes. Observed: 1 variant allele.
Comment: IRAG1: BP4